The following is an entry in ClinVar:

NM_005475.3(SH2B3):c.720C>A (p.Phe240Leu)

Gene: SH2B3 (SH2B adaptor protein 3; plus strand). Cytogenetic location: 12q24.12.
Variant type: single nucleotide variant.
Coding change: c.720C>A on transcript NM_005475.3 (MANE Select); coding-DNA position 720, C replaced by A.
Protein change: p.Phe240Leu; replaces phenylalanine 240 with leucine.
Molecular consequence: missense variant.
Genome position (GRCh38, 1-based): chr12:111,418,865, C>A. VCF-style: chr12-111418865-C-A. GRCh37 (hg19) VCF-style: chr12-111856669-C-A.
Other names: short protein forms F240L.
Identifiers: ClinVar variation 4630784 (VCV004630784.1).

ClinVar aggregate classification (germline): Uncertain significance (1 of 4 stars; one submission).

Conditions:
Inborn genetic diseases. Identifiers: MedGen C0950123, MeSH D030342.

gnomAD v4.1: 1 of 1,412,486 alleles (0.000071%); highest among the groups gnomAD compares: East Asian, 0.003%; no homozygotes.

Submission:

Ambry Genetics
Classification: Uncertain significance for Inborn genetic diseases. Last evaluated: 2025-12-09. Review status: criteria provided, single submitter. Criteria: Ambry Variant Classification Scheme 2023. Collection method: clinical testing. Allele origin: germline.
Comment: The p.F240L variant (also known as c.720C>A), located in coding exon 1 of the SH2B3 gene, results from a C to A substitution at nucleotide position 720. The phenylalanine at codon 240 is replaced by leucine, an amino acid with highly similar properties. This amino acid position is conserved. In addition, this alteration is predicted to be tolerated by in silico analysis. Based on the available evidence, the clinical significance of this variant remains unclear.